The following is an entry in ClinVar:

ClinVar aggregate classification (germline): Uncertain significance. Review status: criteria provided, multiple submitters, no conflicts (2 of 4 stars). 2 submissions from 2 submitters: Uncertain significance (2). Last evaluated 2026-06-01.

Conditions:
Hereditary cancer-predisposing syndrome. Also called: Hereditary Cancer Syndrome; Hereditary neoplastic syndrome; Neoplastic Syndromes, Hereditary; Tumor predisposition. Identifiers: Orphanet 140162, MedGen C0027672, MeSH D009386, MONDO:0015356.
Fanconi anemia complementation group J. Also called: BRIP1-Related Fanconi Anemia. Identifiers: Orphanet 84, MedGen C1836860, MONDO:0012187, OMIM 609054.
Familial cancer of breast. Also called: hereditary breast carcinoma; BREAST CANCER, FAMILIAL; Hereditary breast cancer. Identifiers: Orphanet 227535, MedGen C0346153, MONDO:0016419, OMIM 114480. Disease mechanism: loss of function.

Submissions (2):

Ambry Genetics
Classification: Uncertain significance for Hereditary cancer-predisposing syndrome. Last evaluated: 2026-06-01. Review status: criteria provided, single submitter. Criteria: Ambry Variant Classification Scheme 2023. Collection method: clinical testing. Allele origin: germline.
Comment: The p.Q40R variant (also known as c.119A>G), located in coding exon 2 of the BRIP1 gene, results from an A to G substitution at nucleotide position 119. The glutamine at codon 40 is replaced by arginine, an amino acid with highly similar properties. This amino acid position is conserved. In addition, the in silico prediction for this alteration is inconclusive. Based on the available evidence, the clinical significance of this variant remains unclear.

Labcorp Genetics (formerly Invitae), Labcorp
Classification: Uncertain significance for Familial cancer of breast; Fanconi anemia complementation group J. Last evaluated: 2024-05-15. Review status: criteria provided, single submitter. Criteria: Invitae Variant Classification Sherloc (09022015). Collection method: clinical testing. Allele origin: germline.
Comment: This sequence change replaces glutamine, which is neutral and polar, with arginine, which is basic and polar, at codon 40 of the BRIP1 protein (p.Gln40Arg). This variant is not present in population databases (gnomAD no frequency). This variant has not been reported in the literature in individuals affected with BRIP1-related conditions. Advanced modeling of protein sequence and biophysical properties (such as structural, functional, and spatial information, amino acid conservation, physicochemical variation, residue mobility, and thermodynamic stability) has been performed at Invitae for this missense variant, however the output from this modeling did not meet the statistical confidence thresholds required to predict the impact of this variant on BRIP1 protein function. In summary, the available evidence is currently insufficient to determine the role of this variant in disease. Therefore, it has been classified as a Variant of Uncertain Significance.

NM_032043.3(BRIP1):c.119A>G (p.Gln40Arg)

Gene: BRIP1 (BRCA1 interacting DNA helicase 1; minus strand). Cytogenetic location: 17q23.2.
Variant type: single nucleotide variant.
Coding change: c.119A>G on transcript NM_032043.3 (MANE Select); coding-DNA position 119, A replaced by G.
Protein change: p.Gln40Arg; replaces glutamine 40 with arginine.
Molecular consequence: missense variant.
Genome position (GRCh38, 1-based): chr17:61,859,882, T>C on the plus strand (A>G on the coding strand, the complement: BRIP1 is on the minus strand). VCF-style: chr17-61859882-T-C. GRCh37 (hg19) VCF-style: chr17-59937243-T-C.
Other names: short protein forms Q40R.
Identifiers: ClinVar variation 3752106 (VCV003752106.3).